The following is an entry in ClinVar:

NM_005076.5(CNTN2):c.1798G>A (p.Ala600Thr)

Gene: CNTN2 (contactin 2; plus strand). Cytogenetic location: 1q32.1.
Variant type: single nucleotide variant.
Coding change: c.1798G>A on transcript NM_005076.5 (MANE Select); coding-DNA position 1798, G replaced by A.
Protein change: p.Ala600Thr; replaces alanine 600 with threonine.
Molecular consequence: missense variant. On other transcripts: non-coding transcript variant (1).
Genome position (GRCh38, 1-based): chr1:205,065,891, G>A. VCF-style: chr1-205065891-G-A. GRCh37 (hg19) VCF-style: chr1-205035019-G-A.
Other names: c.1798G>A, p.Ala600Thr (NM_001346083.2); short protein forms A600T.
Identifiers: ClinVar variation 2156488 (VCV002156488.4), dbSNP rs1165547868, ClinGen allele CA344375885.

ClinVar aggregate classification (germline): Uncertain significance (1 of 4 stars; one submission).

Conditions:
Epilepsy, familial adult myoclonic, 5 (EPEO5). Also called: CORTICAL MYOCLONIC TREMOR WITH EPILEPSY, FAMILIAL, 5. Identifiers: Orphanet 86814, MedGen C3809374, MONDO:0014167, OMIM 615400.

Allele frequency attached by ClinVar (database versions not stated): gnomAD exomes below 0.00001; gnomAD 0.00001; TOPMed 0.00003.
gnomAD v4.1: 8 of 1,613,370 alleles (0.0005%); highest among the groups gnomAD compares: African/African-American, 0.008%; no homozygotes.

Submission:

Labcorp Genetics (formerly Invitae), Labcorp
Classification: Uncertain significance for Epilepsy, familial adult myoclonic, 5. Last evaluated: 2022-05-16. Review status: criteria provided, single submitter. Criteria: Invitae Variant Classification Sherloc (09022015). Collection method: clinical testing. Allele origin: germline.
Comment: In summary, the available evidence is currently insufficient to determine the role of this variant in disease. Therefore, it has been classified as a Variant of Uncertain Significance. Advanced modeling of protein sequence and biophysical properties (such as structural, functional, and spatial information, amino acid conservation, physicochemical variation, residue mobility, and thermodynamic stability) performed at Invitae indicates that this missense variant is not expected to disrupt CNTN2 protein function. This variant has not been reported in the literature in individuals affected with CNTN2-related conditions. This variant is present in population databases (no rsID available, gnomAD 0.007%). This sequence change replaces alanine, which is neutral and non-polar, with threonine, which is neutral and polar, at codon 600 of the CNTN2 protein (p.Ala600Thr).